The following is an entry in ClinVar:

NM_001848.3(COL6A1):c.2890C>T (p.Arg964Trp)

Gene: COL6A1 (collagen type VI alpha 1 chain; plus strand). Cytogenetic location: 21q22.3.
Variant type: single nucleotide variant.
Coding change: c.2890C>T on transcript NM_001848.3 (MANE Select); coding-DNA position 2890, C replaced by T.
Protein change: p.Arg964Trp; replaces arginine 964 with tryptophan.
Molecular consequence: missense variant.
Genome position (GRCh38, 1-based): chr21:46,003,816, C>T. VCF-style: chr21-46003816-C-T. GRCh37 (hg19) VCF-style: chr21-47423730-C-T.
Other names: short protein forms R964W.
Identifiers: ClinVar variation 284124 (VCV000284124.30), dbSNP rs375007666, ClinGen allele CA10071064.

ClinVar aggregate classification (germline): Conflicting classifications of pathogenicity. Review status: criteria provided, conflicting classifications (1 of 4 stars). 5 submissions from 5 submitters: Uncertain significance (4); Benign (1). Last evaluated 2026-02-01.

Conditions:
Inborn genetic diseases. Identifiers: MedGen C0950123, MeSH D030342.
Bethlem myopathy 1A. Also called: Bethlem myopathy 1; MYOPATHY, BENIGN CONGENITAL, WITH CONTRACTURES; Bethlem Muscular Dystrophy. Identifiers: Orphanet 610, MedGen CN029274, MONDO:0024530, OMIM 158810.

Allele frequency attached by ClinVar (database versions not stated): gnomAD exomes 0.00002; ExAC 0.00003; TOPMed 0.00009; ESP Exome Variant Server 0.00038.
gnomAD v4.1: 36 of 1,606,256 alleles (0.0022%); highest among the groups gnomAD compares: African/African-American, 0.027%; no homozygotes.

Submissions (5):

Labcorp Genetics (formerly Invitae), Labcorp
Classification: Benign for Bethlem myopathy 1A. Last evaluated: 2026-02-01. Review status: criteria provided, single submitter. Criteria: Invitae Variant Classification Sherloc (09022015). Collection method: clinical testing. Allele origin: germline.

CeGaT Center for Human Genetics Tuebingen
Classification: Uncertain significance. Last evaluated: 2024-11-01. Review status: criteria provided, single submitter. Criteria: CeGaT Center For Human Genetics Tuebingen Variant Classification Criteria Version 2. Collection method: clinical testing. Allele origin: germline. Affected: yes. Observed: 1 variant allele.

Ambry Genetics
Classification: Uncertain significance for Inborn genetic diseases. Last evaluated: 2023-08-22. Review status: criteria provided, single submitter. Criteria: Ambry Variant Classification Scheme 2023. Collection method: clinical testing. Allele origin: germline.

GeneDx
Classification: Uncertain significance. Last evaluated: 2022-06-06. Review status: criteria provided, single submitter. Criteria: GeneDx Variant Classification Process June 2021. Collection method: clinical testing. Allele origin: germline. Affected: yes.
Comment: In silico analysis supports that this missense variant has a deleterious effect on protein structure/function; Has not been previously published as pathogenic or benign to our knowledge

Eurofins Ntd Llc (ga)
Classification: Uncertain significance. Last evaluated: 2018-02-09. Review status: criteria provided, single submitter. Criteria: EGL ClinVar v180209 classification definitions. Collection method: clinical testing. Allele origin: germline. Observed: 2 variant alleles, 2 heterozygotes.